The following is an entry in ClinVar:

ClinVar aggregate classification (germline): Uncertain significance (1 of 4 stars; one submission).

Submission:

GeneDx
Classification: Uncertain significance. Last evaluated: 2023-04-14. Review status: criteria provided, single submitter. Criteria: GeneDx Variant Classification Process June 2021. Collection method: clinical testing. Allele origin: germline. Affected: yes.
Comment: In silico analysis supports a deleterious effect on protein structure/function; Not observed at significant frequency in large population cohorts (gnomAD); In-frame deletion of 4 amino acids in a non-repeat region; Has not been previously published as pathogenic or benign to our knowledge

NM_002941.4(ROBO1):c.3415_3426del (p.Asn1139_Tyr1142del)

Gene: ROBO1 (roundabout guidance receptor 1; minus strand). Cytogenetic location: 3p12.3.
Variant type: Deletion.
Coding change: c.3415_3426del on transcript NM_002941.4 (MANE Select); coding-DNA positions 3415 to 3426, 12 bases deleted (AACCAATCATAC).
Protein change: p.Asn1139_Tyr1142del.
Molecular consequence: inframe deletion. On other transcripts: inframe indel (1).
Genome position (GRCh38, 1-based): chr3:78,633,990-78,634,001, GTATGATTGGTT deleted on the plus strand (AACCAATCATAC on the coding strand, the reverse complement: ROBO1 is on the minus strand); deleting any 12 consecutive bases within chr3:78,633,990-78,634,006 gives the same sequence; the c. name uses the placement nearest the transcript's 3' end. VCF-style (leftmost placement, unchanged base first): chr3-78633989-CGTATGATTGGTT-C. GRCh37 (hg19) VCF-style: chr3-78683139-CGTATGATTGGTT-C.
Other names: c.3275_3286delCATACAACCAAT, p.Asn1094_Tyr1097del (NM_001145844.1); c.3115_3126del, p.Asn1039_Tyr1042del (NM_001145845.2); c.3280_3291del, p.Asn1094_Tyr1097del (NM_133631.4).
Identifiers: ClinVar variation 2574824 (VCV002574824.1), dbSNP rs2471858127, ClinGen allele CA2580616501.